The following is an entry in ClinVar:

NM_014319.5(LEMD3):c.1921+14A>G

Gene: LEMD3 (LEM domain containing 3; plus strand). Cytogenetic location: 12q14.3.
Variant type: single nucleotide variant.
Coding change: c.1921+14A>G on transcript NM_014319.5 (MANE Select); 14 bases into the intron after coding-DNA position 1921, A replaced by G.
Molecular consequence: intron variant.
Genome position (GRCh38, 1-based): chr12:65,238,828, A>G. VCF-style: chr12-65238828-A-G. GRCh37 (hg19) VCF-style: chr12-65632608-A-G.
Other names: c.1918+14A>G (NM_001167614.2).
Identifiers: ClinVar variation 4760039 (VCV004760039.1).

ClinVar aggregate classification (germline): Uncertain significance (1 of 4 stars; one submission).

gnomAD v4.1: 9 of 1,613,496 alleles (0.00056%); highest among the groups gnomAD compares: African/African-American, 0.0013%; no homozygotes.

Submission:

Labcorp Genetics (formerly Invitae), Labcorp
Classification: Uncertain significance. Last evaluated: 2025-02-15. Review status: criteria provided, single submitter. Criteria: Invitae Variant Classification Sherloc (09022015). Collection method: clinical testing. Allele origin: germline.
Comment: This sequence change falls in intron 6 of the LEMD3 gene. It does not directly change the encoded amino acid sequence of the LEMD3 protein. This variant is not present in population databases (gnomAD no frequency). This variant has not been reported in the literature in individuals affected with LEMD3-related conditions. Algorithms developed to predict the effect of sequence changes on RNA splicing suggest that this variant may create or strengthen a splice site. In summary, the available evidence is currently insufficient to determine the role of this variant in disease. Therefore, it has been classified as a Variant of Uncertain Significance.